The following is an entry in ClinVar:

NM_139276.3(STAT3):c.468+58del

Gene: STAT3 (signal transducer and activator of transcription 3; minus strand). Cytogenetic location: 17q21.2.
Variant type: Deletion.
Coding change: c.468+58del on transcript NM_139276.3 (MANE Select); 58 bases into the intron after coding-DNA position 468, one base deleted (T; older notation c.468+58delT).
Molecular consequence: intron variant.
Genome position (GRCh38, 1-based): chr17:42,339,256, A deleted on the plus strand (T on the coding strand, the reverse complement: STAT3 is on the minus strand); the first of 17 consecutive A bases (chr17:42,339,256-42,339,272); deleting any one gives the same sequence. VCF-style (leftmost placement, unchanged base first): chr17-42339255-CA-C. GRCh37 (hg19) VCF-style: chr17-40491273-CA-C.
Other names: c.373-444del (NM_001384989.1); c.468+58del (NM_001384992.1, NM_001384984.1, NM_001369519.1 and 15 more transcripts); c.390+58del (NM_001384985.1).
Identifiers: ClinVar variation 1223138 (VCV001223138.5), dbSNP rs397712608, ClinGen allele CA290743479.
Genomic context (GRCh38, chr17:42,339,255, plus strand): 5'-GCAGTGAGCTGTGATCATGCCACTGCAGCCCAGCCTGAGTGGCAGAGCAAGACCCTGTCT[CA>C]AAAAAAAAAAAAAAAATTAATGAAAGCTCCCTGCCCGAGGCTTGTAACTTGCATCACCTG-3'

ClinVar aggregate classification (germline): Benign/Likely benign. Review status: criteria provided, multiple submitters, no conflicts (2 of 4 stars). 2 submissions from 2 submitters: Benign (1); Likely benign (1). Last evaluated 2023-11-12.

Submissions (2):

Unidad de Genómica Garrahan, Hospital de Pediatría Garrahan
Classification: Benign. Last evaluated: 2023-11-12. Review status: criteria provided, single submitter. Criteria: ACMG Guidelines, 2015. Collection method: clinical testing. Allele origin: germline. Affected: no. Observed: 63 variant alleles.
Comment: This variant is classified as Benign based on local population frequency. This variant was detected in 66% of patients studied by a panel of primary immunodeficiencies. Number of patients: 63. Only high quality variants are reported.

GeneDx
Classification: Likely benign. Last evaluated: 2019-08-06. Review status: criteria provided, single submitter. Criteria: GeneDx Variant Classification Process June 2021. Collection method: clinical testing. Allele origin: germline. Affected: yes.